The following is an entry in ClinVar:

ClinVar aggregate classification (germline): Likely benign (1 of 4 stars; one submission).

Submission:

Women's Health and Genetics/Laboratory Corporation of America, LabCorp
Classification: Likely benign. Last evaluated: 2023-10-03. Review status: criteria provided, single submitter. Criteria: LabCorp Variant Classification Summary - May 2015. Collection method: clinical testing. Allele origin: germline.
Comment: Variant summary: SMC3 c.1671-12_1671-11delGT alters a non-conserved nucleotide located at a position not widely known to affect splicing. Consensus agreement among computation tools predict no significant impact on normal splicing. However, these predictions have yet to be confirmed by functional studies. The variant was absent in 251198 control chromosomes. The available data on variant occurrences in the general population are insufficient to allow any conclusion about variant significance. To our knowledge, no occurrence of c.1671-12_1671-11delGT in individuals affected with Cornelia De Lange Syndrome 3 and no experimental evidence demonstrating its impact on protein function have been reported. No submitters have cited clinical-significance assessments for this variant to ClinVar after 2014. Based on the evidence outlined above, the variant was classified as likely benign.

NM_005445.4(SMC3):c.1671-12_1671-11del

Gene: SMC3 (structural maintenance of chromosomes 3; plus strand). Cytogenetic location: 10q25.2.
Variant type: Deletion.
Coding change: c.1671-12_1671-11del on transcript NM_005445.4 (MANE Select); 12 bases into the intron before coding-DNA position 1671 through 11 bases into the intron before coding-DNA position 1671, 2 bases deleted (GT; older notation c.1671-12_1671-11delGT).
Molecular consequence: intron variant.
Genome position (GRCh38, 1-based): chr10:110,590,979-110,590,980, GT deleted; deleting any 2 consecutive bases within chr10:110,590,978-110,590,980 gives the same sequence; the c. name uses the placement nearest the transcript's 3' end. VCF-style (leftmost placement, unchanged base first): chr10-110590977-CTG-C. GRCh37 (hg19) VCF-style: chr10-112350735-CTG-C.
Other names: c.1671-12_1671-11delGT (NM_005445.4).
Identifiers: ClinVar variation 2637493 (VCV002637493.1), dbSNP rs2493128514, ClinGen allele CA2695201046.
Genomic context (GRCh38, chr10:110,590,977, plus strand): 5'-GGATTGATAAGTTTGGGCAACATAGGGAGACCCTGAGTACCAATAAAGATTTGTCTTACT[CTG>C]TTTATATTTAGGTTATTTTATCACATTGTTGATTCAGATGAAGTCAGCACGAAGATTTTA-3'